The following is an entry in ClinVar:

ClinVar aggregate classification (germline): Uncertain significance. Review status: criteria provided, multiple submitters, no conflicts (2 of 4 stars). 5 submissions from 5 submitters: Uncertain significance (5). Last evaluated 2026-07-30.

Conditions:
Mitochondrial complex I deficiency, nuclear type 8. Also called: Mitochondrial complex 1 deficiency, nuclear type 8. Identifiers: MedGen C4748766, MONDO:0032613, OMIM 618230.
Inborn genetic diseases. Identifiers: MedGen C0950123, MeSH D030342.

Allele frequency attached by ClinVar (database versions not stated): ExAC 0.00011; 1000 Genomes Project 0.00020; TOPMed 0.00031; 1000 Genomes Project 30x 0.00016; gnomAD 0.00022 and 0.00023; ESP Exome Variant Server 0.00031; gnomAD exomes 0.00004 and 0.00013.
gnomAD v4.1: 100 of 1,613,940 alleles (0.0062%); highest among the groups gnomAD compares: African/African-American, 0.073%; no homozygotes.

Submissions (5):

GeneDx
Classification: Uncertain significance. Last evaluated: 2026-07-30. Review status: criteria provided, single submitter. Criteria: GeneDx Variant Classification Process June 2021. Collection method: clinical testing. Allele origin: germline.
Comment: Has not been previously published as pathogenic or benign to our knowledge; In silico analysis supports that this missense variant has a deleterious effect on protein structure/function

Ambry Genetics
Classification: Uncertain significance for Inborn genetic diseases. Last evaluated: 2025-02-09. Review status: criteria provided, single submitter. Criteria: Ambry Variant Classification Scheme 2023. Collection method: clinical testing. Allele origin: germline.

Labcorp Genetics (formerly Invitae), Labcorp
Classification: Uncertain significance. Last evaluated: 2024-12-09. Review status: criteria provided, single submitter. Criteria: Invitae Variant Classification Sherloc (09022015). Collection method: clinical testing. Allele origin: germline.
Comment: This sequence change replaces arginine, which is basic and polar, with cysteine, which is neutral and slightly polar, at codon 136 of the NDUFS3 protein (p.Arg136Cys). This variant is present in population databases (rs368446373, gnomAD 0.06%). This variant has not been reported in the literature in individuals affected with NDUFS3-related conditions. ClinVar contains an entry for this variant (Variation ID: 1030815). Invitae Evidence Modeling of protein sequence and biophysical properties (such as structural, functional, and spatial information, amino acid conservation, physicochemical variation, residue mobility, and thermodynamic stability) has been performed for this missense variant. However, the output from this modeling did not meet the statistical confidence thresholds required to predict the impact of this variant on NDUFS3 protein function. In summary, the available evidence is currently insufficient to determine the role of this variant in disease. Therefore, it has been classified as a Variant of Uncertain Significance.

Baylor Genetics
Classification: Uncertain significance for Mitochondrial complex I deficiency, nuclear type 8. Last evaluated: 2020-06-03. Review status: criteria provided, single submitter. Criteria: ACMG Guidelines, 2015. Collection method: clinical testing. Allele origin: unknown. Affected: yes.
Comment: This variant was determined to be of uncertain significance according to ACMG Guidelines, 2015 [PMID:25741868].

Breakthrough Genomics
Classification: Uncertain significance. Review status: criteria provided, single submitter. Criteria: ACMG Guidelines, 2015. Collection method: not provided. Allele origin: germline. Inheritance: Autosomal recessive inheritance. Affected: yes.

NM_004551.3(NDUFS3):c.406C>T (p.Arg136Cys)

Gene: NDUFS3 (NADH:ubiquinone oxidoreductase core subunit S3; plus strand). Cytogenetic location: 11p11.2.
Variant type: single nucleotide variant.
Coding change: c.406C>T on transcript NM_004551.3 (MANE Select); coding-DNA position 406, C replaced by T.
Protein change: p.Arg136Cys; replaces arginine 136 with cysteine.
Molecular consequence: missense variant.
Genome position (GRCh38, 1-based): chr11:47,582,112, C>T. VCF-style: chr11-47582112-C-T. GRCh37 (hg19) VCF-style: chr11-47603664-C-T.
Other names: c.406C>T (NM_004551.1); short protein forms R136C.
Identifiers: ClinVar variation 1030815 (VCV001030815.11), dbSNP rs368446373, ClinGen allele CA5977983.
Genomic context (GRCh38, chr11:47,582,112, plus strand): 5'-CCATCTCAGCCCTCCAGATCCTTCTGTTCTCCCTAGATTGTCTACAACCTGTTGTCTCTG[C>T]GCTTCAACTCACGGATCCGTGTGAAGACCTACACAGATGAGCTGACGCCCATTGAGTCTG-3'
Protein context (NP_004542.1, residues 126-146): FEIVYNLLSL[Arg136Cys]FNSRIRVKTY